The following is an entry in ClinVar:

NM_001127644.2(GABRA1):c.691C>G (p.Gln231Glu)

Gene: GABRA1 (gamma-aminobutyric acid type A receptor subunit alpha1; plus strand). Cytogenetic location: 5q34.
Variant type: single nucleotide variant.
Coding change: c.691C>G on transcript NM_001127644.2 (MANE Select); coding-DNA position 691, C replaced by G.
Protein change: p.Gln231Glu; replaces glutamine 231 with glutamic acid.
Molecular consequence: missense variant.
Genome position (GRCh38, 1-based): chr5:161,882,689, C>G. VCF-style: chr5-161882689-C-G. GRCh37 (hg19) VCF-style: chr5-161309695-C-G.
Other names: c.691C>G, p.Gln231Glu (NM_000806.5, NM_001127643.2, NM_001127645.2 and 1 more transcripts); short protein forms Q231E.
Identifiers: ClinVar variation 1392211 (VCV001392211.8), dbSNP rs1173993011, ClinGen allele CA362179671.
Genomic context (GRCh38, chr5:161,882,689, plus strand): 5'-GATGGATCACGTCTAAACCAGTATGACCTTCTTGGACAAACAGTAGACTCTGGAATTGTC[C>G]AGTCAAGTACAGGTAAGTACGATTTTGTTACTTCAGTTATGGAGGAAGAAGAAGAATAAT-3'
Protein context (NP_001121116.1, residues 221-241): LGQTVDSGIV[Gln231Glu]SSTGEYVVMT

ClinVar aggregate classification (germline): Uncertain significance (1 of 4 stars; one submission).

Conditions:
Epilepsy, idiopathic generalized, susceptibility to, 13. Also called: EPILEPSY, JUVENILE MYOCLONIC, SUSCEPTIBILITY TO, 5. Identifiers: Orphanet 307, Orphanet 64280, MedGen C4013473, MONDO:0012627, OMIM 611136.
Epilepsy, childhood absence 4 (ECA4). Also called: EPILEPSY, CHILDHOOD ABSENCE, SUSCEPTIBILITY TO, 4. Identifiers: Orphanet 307, MedGen C1970160.
Idiopathic generalized epilepsy. Also called: Generalised epilepsy; EIG. Identifiers: MedGen C0270850, MONDO:0005579, OMIM 600669.

Allele frequency attached by ClinVar (database versions not stated): gnomAD 0.00001.
gnomAD v4.1: 1 of 1,613,264 alleles (0.000062%); highest among the groups gnomAD compares: African/African-American, 0.0013%; no homozygotes.

Submission:

Labcorp Genetics (formerly Invitae), Labcorp
Classification: Uncertain significance for Epilepsy, childhood absence 4; Epilepsy, idiopathic generalized, susceptibility to, 13; Idiopathic generalized epilepsy. Last evaluated: 2022-08-09. Review status: criteria provided, single submitter. Criteria: Invitae Variant Classification Sherloc (09022015). Collection method: clinical testing. Allele origin: germline.
Comment: In summary, the available evidence is currently insufficient to determine the role of this variant in disease. Therefore, it has been classified as a Variant of Uncertain Significance. Algorithms developed to predict the effect of missense changes on protein structure and function are either unavailable or do not agree on the potential impact of this missense change (SIFT: "Tolerated"; PolyPhen-2: "Probably Damaging"; Align-GVGD: "Class C0"). ClinVar contains an entry for this variant (Variation ID: 1392211). This variant has not been reported in the literature in individuals affected with GABRA1-related conditions. This variant is present in population databases (no rsID available, gnomAD 0.01%). This sequence change replaces glutamine, which is neutral and polar, with glutamic acid, which is acidic and polar, at codon 231 of the GABRA1 protein (p.Gln231Glu).